The following is an entry in ClinVar:

NM_017617.5(NOTCH1):c.6570G>A (p.Leu2190=)

Gene: NOTCH1 (notch receptor 1; minus strand). Cytogenetic location: 9q34.3.
Variant type: single nucleotide variant.
Coding change: c.6570G>A on transcript NM_017617.5 (MANE Select); coding-DNA position 6570, G replaced by A.
Protein change: p.Leu2190=; no amino-acid change (leucine 2190 retained).
Molecular consequence: synonymous variant.
Genome position (GRCh38, 1-based): chr9:136,497,169, C>T on the plus strand (G>A on the coding strand, the complement: NOTCH1 is on the minus strand). VCF-style: chr9-136497169-C-T. GRCh37 (hg19) VCF-style: chr9-139391621-C-T.
Identifiers: ClinVar variation 682240 (VCV000682240.1), dbSNP rs200630233, ClinGen allele CA467832237.

ClinVar aggregate classification (germline): Likely benign (1 of 4 stars; one submission).

Allele frequency attached by ClinVar (database versions not stated): gnomAD 0.00001 and 0.00003.
gnomAD v4.1: 4 of 1,612,684 alleles (0.00025%); highest among the groups gnomAD compares: African/African-American, 0.0013%; no homozygotes.

Submission:

GeneDx
Classification: Likely benign. Last evaluated: 2018-04-20. Review status: criteria provided, single submitter. Criteria: GeneDx Variant Classification (06012015). Collection method: clinical testing. Allele origin: germline. Affected: yes.
Comment: This variant is considered likely benign or benign based on one or more of the following criteria: it is a conservative change, it occurs at a poorly conserved position in the protein, it is predicted to be benign by multiple in silico algorithms, and/or has population frequency not consistent with disease.